The following is an entry in ClinVar:

NM_080680.3(COL11A2):c.1627G>A (p.Asp543Asn)

Gene: COL11A2 (collagen type XI alpha 2 chain; minus strand). Cytogenetic location: 6p21.32.
Variant type: single nucleotide variant.
Coding change: c.1627G>A on transcript NM_080680.3 (MANE Select); coding-DNA position 1627, G replaced by A.
Protein change: p.Asp543Asn; replaces aspartic acid 543 with asparagine.
Molecular consequence: missense variant.
Genome position (GRCh38, 1-based): chr6:33,178,958, C>T on the plus strand (G>A on the coding strand, the complement: COL11A2 is on the minus strand). VCF-style: chr6-33178958-C-T. GRCh37 (hg19) VCF-style: chr6-33146735-C-T.
Other names: c.1306G>A, p.Asp436Asn (NM_080679.3); c.1369G>A, p.Asp457Asn (NM_080681.3); short protein forms D543N, D436N, D457N.
Identifiers: ClinVar variation 1395590 (VCV001395590.6), dbSNP rs2150578552, ClinGen allele CA363659576.

ClinVar aggregate classification (germline): Uncertain significance (1 of 4 stars; one submission).

Submission:

Labcorp Genetics (formerly Invitae), Labcorp
Classification: Uncertain significance. Last evaluated: 2022-03-09. Review status: criteria provided, single submitter. Criteria: Invitae Variant Classification Sherloc (09022015). Collection method: clinical testing. Allele origin: germline.
Comment: In summary, the available evidence is currently insufficient to determine the role of this variant in disease. Therefore, it has been classified as a Variant of Uncertain Significance. Advanced modeling of protein sequence and biophysical properties (such as structural, functional, and spatial information, amino acid conservation, physicochemical variation, residue mobility, and thermodynamic stability) performed at Invitae indicates that this missense variant is not expected to disrupt COL11A2 protein function. This variant has not been reported in the literature in individuals affected with COL11A2-related conditions. This variant is not present in population databases (gnomAD no frequency). This sequence change replaces aspartic acid, which is acidic and polar, with asparagine, which is neutral and polar, at codon 543 of the COL11A2 protein (p.Asp543Asn).